The following is an entry in ClinVar:

NM_206933.4(USH2A):c.1907A>G (p.Asp636Gly)

Gene: USH2A (usherin; minus strand). Cytogenetic location: 1q41.
Variant type: single nucleotide variant.
Coding change: c.1907A>G on transcript NM_206933.4 (MANE Select); coding-DNA position 1907, A replaced by G.
Protein change: p.Asp636Gly; replaces aspartic acid 636 with glycine.
Molecular consequence: missense variant.
Genome position (GRCh38, 1-based): chr1:216,289,344, T>C on the plus strand (A>G on the coding strand, the complement: USH2A is on the minus strand). VCF-style: chr1-216289344-T-C. GRCh37 (hg19) VCF-style: chr1-216462686-T-C.
Other names: c.1907A>G, p.Asp636Gly (NM_007123.6); short protein forms D636G.
Identifiers: ClinVar variation 4762951 (VCV004762951.1).

ClinVar aggregate classification (germline): Uncertain significance (1 of 4 stars; one submission).

gnomAD v4.1: 1 of 1,613,976 alleles (0.000062%); no homozygotes.

Submission:

Labcorp Genetics (formerly Invitae), Labcorp
Classification: Uncertain significance. Last evaluated: 2025-06-06. Review status: criteria provided, single submitter. Criteria: Invitae Variant Classification Sherloc (09022015). Collection method: clinical testing. Allele origin: germline.
Comment: This sequence change replaces aspartic acid, which is acidic and polar, with glycine, which is neutral and non-polar, at codon 636 of the USH2A protein (p.Asp636Gly). This variant is not present in population databases (gnomAD no frequency). This variant has not been reported in the literature in individuals affected with USH2A-related conditions. Invitae Evidence Modeling of protein sequence and biophysical properties (such as structural, functional, and spatial information, amino acid conservation, physicochemical variation, residue mobility, and thermodynamic stability) has been performed for this missense variant. However, the output from this modeling did not meet the statistical confidence thresholds required to predict the impact of this variant on USH2A protein function. In summary, the available evidence is currently insufficient to determine the role of this variant in disease. Therefore, it has been classified as a Variant of Uncertain Significance.